The following is an entry in ClinVar:

ClinVar aggregate classification (germline): Uncertain significance. Review status: criteria provided, multiple submitters, no conflicts (2 of 4 stars). 6 submissions from 6 submitters: Uncertain significance (5). 1 of the submissions does not count toward it. Last evaluated 2026-09-21.

Conditions:
PDE6A-related disorder. Also called: PDE6A-related condition.
Inborn genetic diseases. Identifiers: MedGen C0950123, MeSH D030342.
Retinal dystrophy. Also called: Inherited retinal dystrophy. Identifiers: Orphanet 71862, MedGen C0854723, MeSH D058499, MONDO:0019118, HP:0000556.
Retinitis pigmentosa 43 (RP43). Identifiers: Orphanet 791, MedGen C3151139, MONDO:0013437, OMIM 613810.

Allele frequency attached by ClinVar (database versions not stated): gnomAD exomes 0.00004 and 0.00006; TOPMed 0.00007; gnomAD 0.00009 and 0.00011; ExAC 0.00011; 1000 Genomes Project 0.00020; 1000 Genomes Project 30x 0.00031.
gnomAD v4.1: 73 of 1,613,818 alleles (0.0045%); highest among the groups gnomAD compares: African/African-American, 0.0093%; no homozygotes.

Submissions (6):

PreventionGenetics, part of Exact Sciences
Classification: Uncertain significance for PDE6A-related condition. Last evaluated: 2026-09-21. Review status: criteria provided, single submitter. Criteria: ACMG Guidelines, 2015. Collection method: clinical testing. Allele origin: germline.
Comment: The PDE6A c.2248C>T variant is predicted to result in the amino acid substitution p.Arg750Cys. To our knowledge, this variant has not been reported in the literature. This variant is reported in 0.0085% of alleles in individuals of Latino descent in gnomAD. At this time, the clinical significance of this variant is uncertain due to the absence of conclusive functional and genetic evidence.

Blueprint Genetics
Classification: Uncertain significance. Last evaluated: 2024-08-15. Review status: criteria provided, single submitter. Criteria: ACMG Guidelines, 2015. Collection method: clinical testing. Allele origin: germline.

Labcorp Genetics (formerly Invitae), Labcorp
Classification: Uncertain significance. Last evaluated: 2023-07-07. Review status: criteria provided, single submitter. Criteria: Invitae Variant Classification Sherloc (09022015). Collection method: clinical testing. Allele origin: germline.
Comment: In summary, the available evidence is currently insufficient to determine the role of this variant in disease. Therefore, it has been classified as a Variant of Uncertain Significance. Advanced modeling of protein sequence and biophysical properties (such as structural, functional, and spatial information, amino acid conservation, physicochemical variation, residue mobility, and thermodynamic stability) performed at Invitae indicates that this missense variant is expected to disrupt PDE6A protein function. ClinVar contains an entry for this variant (Variation ID: 943507). This variant has not been reported in the literature in individuals affected with PDE6A-related conditions. This variant is present in population databases (rs577146307, gnomAD 0.008%). This sequence change replaces arginine, which is basic and polar, with cysteine, which is neutral and slightly polar, at codon 750 of the PDE6A protein (p.Arg750Cys).

Department of Pathology and Laboratory Medicine, Sinai Health System
Classification: Uncertain significance for Retinitis pigmentosa 43. Last evaluated: 2021-10-25. Review status: criteria provided, single submitter. Criteria: ACMG Guidelines, 2015. Collection method: research. Allele origin: germline.

Ambry Genetics
Classification: Uncertain significance for Inborn genetic diseases. Last evaluated: 2021-07-20. Review status: criteria provided, single submitter. Criteria: Ambry Variant Classification Scheme 2023. Collection method: clinical testing. Allele origin: germline.

Institute of Human Genetics, Univ. Regensburg, Univ. Regensburg
Classification: Uncertain significance for Retinal dystrophy. Last evaluated: 2019-01-01. Review status: no assertion criteria provided. Criteria: ACMG Guidelines, 2015. Collection method: clinical testing. Allele origin: germline. Affected: yes. Not counted in ClinVar's aggregate classification.

NM_000440.3(PDE6A):c.2248C>T (p.Arg750Cys)

Gene: PDE6A (phosphodiesterase 6A; minus strand). Cytogenetic location: 5q32.
Variant type: single nucleotide variant.
Coding change: c.2248C>T on transcript NM_000440.3 (MANE Select); coding-DNA position 2248, C replaced by T.
Protein change: p.Arg750Cys; replaces arginine 750 with cysteine.
Molecular consequence: missense variant.
Genome position (GRCh38, 1-based): chr5:149,867,751, G>A on the plus strand (C>T on the coding strand, the complement: PDE6A is on the minus strand). VCF-style: chr5-149867751-G-A. GRCh37 (hg19) VCF-style: chr5-149247314-G-A.
Other names: short protein forms R750C.
Identifiers: ClinVar variation 943507 (VCV000943507.12), dbSNP rs577146307, ClinGen allele CA3504354.